The following is an entry in ClinVar:

ClinVar aggregate classification (germline): Pathogenic/Likely pathogenic. Review status: criteria provided, multiple submitters, no conflicts (2 of 4 stars). 3 submissions from 3 submitters: Pathogenic (2); Likely pathogenic (1). Last evaluated 2024-04-16.

Conditions:
Familial cancer of breast. Also called: BREAST CANCER, FAMILIAL; hereditary breast carcinoma; Hereditary breast cancer. Identifiers: Orphanet 227535, MedGen C0346153, MONDO:0016419, OMIM 114480. Disease mechanism: loss of function.
Hereditary breast ovarian cancer syndrome. Also called: Hereditary breast and ovarian cancer syndrome; Hereditary breast and ovarian cancer syndrome (HBOC); BRCA1- and BRCA2-Associated Hereditary Breast and Ovarian Cancer; Hereditary breast and/or ovarian cancer syndrome; Hereditary breast and ovarian cancer; Breast and ovarian cancer. Identifiers: Orphanet 145, MedGen C0677776, MeSH D061325, MONDO:0003582. Disease mechanism: loss of function.
Hereditary cancer-predisposing syndrome. Also called: Neoplastic Syndromes, Hereditary; Tumor predisposition; Hereditary neoplastic syndrome; Hereditary Cancer Syndrome. Identifiers: Orphanet 140162, MedGen C0027672, MeSH D009386, MONDO:0015356.

Submissions (3):

Labcorp Genetics (formerly Invitae), Labcorp
Classification: Pathogenic for Familial cancer of breast. Last evaluated: 2024-04-16. Review status: criteria provided, single submitter. Criteria: Invitae Variant Classification Sherloc (09022015). Collection method: clinical testing. Allele origin: germline.
Comment: This sequence change creates a premature translational stop signal ( p.Glu347Lysfs*10) in the PALB2 gene. It is expected to result in an absent or disrupted protein product. Loss-of-function variants in PALB2 are known to be pathogenic (PMID: 17200668, 17200671, 17200672, 24136930, 25099575). Information on the frequency of this variant in the gnomAD database is not available, as this variant may be reported differently in the database. This variant has not been reported in the literature in individuals affected with PALB2-related conditions. For these reasons, this variant has been classified as Pathogenic.

Women's Health and Genetics/Laboratory Corporation of America, LabCorp
Classification: Likely pathogenic for Hereditary breast ovarian cancer syndrome. Last evaluated: 2022-06-01. Review status: criteria provided, single submitter. Criteria: LabCorp Variant Classification Summary - May 2015. Collection method: clinical testing. Allele origin: germline.
Comment: Variant summary: PALB2 c.1039_1042delinsAAAAAA (p.Glu347LysfsX10) results in a premature termination codon, predicted to cause a truncation of the encoded protein or absence of the protein due to nonsense mediated decay, which are commonly known mechanisms for disease. Truncations downstream of this position have been classified as pathogenic by our laboratory. The variant was absent in 282498 control chromosomes. To our knowledge, no occurrence of c.1039_1042delinsAAAAAA in individuals affected with Hereditary Breast And Ovarian Cancer Syndrome and no experimental evidence demonstrating its impact on protein function have been reported. One clinical diagnostic laboratory has submitted clinical-significance assessments for this variant to ClinVar after 2014 and classified the variant as pathogenic. Based on the evidence outlined above, the variant was classified as likely pathogenic.

Ambry Genetics
Classification: Pathogenic for Hereditary cancer-predisposing syndrome. Last evaluated: 2018-08-07. Review status: criteria provided, single submitter. Criteria: Ambry Variant Classification Scheme 2023. Collection method: clinical testing. Allele origin: germline.
Comment: The c.1039_1042delGAACinsAAAAAA variant, located in coding exon 4 of the PALB2 gene, results from the deletion of 4 nucleotides and insertion of 6 nucleotides causing a translational frameshift with a predicted alternate stop codon (p.E347Kfs*10). This alteration is expected to result in loss of function by premature protein truncation or nonsense-mediated mRNA decay. As such, this alteration is interpreted as a disease-causing mutation.

Literature cited by the submitters: PubMed 17200668 (cited by Labcorp Genetics (formerly Invitae), Labcorp); PubMed 17200671 (cited by Labcorp Genetics (formerly Invitae), Labcorp); PubMed 17200672 (cited by Labcorp Genetics (formerly Invitae), Labcorp); PubMed 24136930 (cited by Labcorp Genetics (formerly Invitae), Labcorp); PubMed 25099575 (cited by Labcorp Genetics (formerly Invitae), Labcorp).

NM_024675.4(PALB2):c.1039_1042delinsAAAAAA (p.Glu347fs)

Gene: PALB2 (partner and localizer of BRCA2; minus strand). Cytogenetic location: 16p12.2.
Variant type: Indel.
Coding change: c.1039_1042delinsAAAAAA on transcript NM_024675.4 (MANE Select); coding-DNA positions 1039 to 1042, GAAC replaced by AAAAAA.
Protein change: p.Glu347fs; shifts the reading frame from glutamic acid 347.
Molecular consequence: frameshift variant.
Genome position (GRCh38, 1-based): chr16:23,635,504-23,635,507, GTTC replaced by TTTTTT on the plus strand (GAAC replaced by AAAAAA on the coding strand, the reverse complement: PALB2 is on the minus strand). VCF-style: chr16-23635504-GTTC-TTTTTT. GRCh37 (hg19) VCF-style: chr16-23646825-GTTC-TTTTTT.
Other names: c.1039_1042delGAACinsAAAAAA, p.Glu347Lysfs (NM_001407298.1, NM_001407297.1, NM_001407299.1 and 3 more transcripts); c.979_982delGAACinsAAAAAA, p.Glu327Lysfs (NM_001407296.1); c.154_157delGAACinsAAAAAA, p.Glu52Lysfs (NM_001407304.1, NM_001407305.1, NM_001407306.1 and 5 more transcripts); short protein forms E347fs.
Identifiers: ClinVar variation 579303 (VCV000579303.11), dbSNP rs1567221761, ClinGen allele CA891844527.